The following is an entry in ClinVar:

ClinVar aggregate classification (germline): Uncertain significance. Review status: criteria provided, multiple submitters, no conflicts (2 of 4 stars). 3 submissions from 3 submitters: Uncertain significance (3). Last evaluated 2025-09-17.

Conditions:
FGFR3-related disorder. Also called: FGFR3-related disorders.

Allele frequency attached by ClinVar (database versions not stated): gnomAD 0.00002; TOPMed 0.00004.

Submissions (3):

PreventionGenetics, part of Exact Sciences
Classification: Uncertain significance for FGFR3-related condition. Last evaluated: 2025-09-17. Review status: criteria provided, single submitter. Criteria: ACMG Guidelines, 2015. Collection method: clinical testing. Allele origin: germline.
Comment: The FGFR3 c.2315C>T variant is predicted to result in the amino acid substitution p.Pro772Leu. To our knowledge, this variant has not been reported in the literature. This variant is reported in 0.0032% of alleles in individuals of European (Non-Finnish) descent in gnomAD. At this time, the clinical significance of this variant is uncertain due to the absence of conclusive functional and genetic evidence.

Labcorp Genetics (formerly Invitae), Labcorp
Classification: Uncertain significance. Last evaluated: 2024-10-24. Review status: criteria provided, single submitter. Criteria: Invitae Variant Classification Sherloc (09022015). Collection method: clinical testing. Allele origin: germline.
Comment: This sequence change replaces proline, which is neutral and non-polar, with leucine, which is neutral and non-polar, at codon 772 of the FGFR3 protein (p.Pro772Leu). This variant is present in population databases (rs756484252, gnomAD 0.003%). This variant has not been reported in the literature in individuals affected with FGFR3-related conditions. ClinVar contains an entry for this variant (Variation ID: 1707036). Invitae Evidence Modeling of protein sequence and biophysical properties (such as structural, functional, and spatial information, amino acid conservation, physicochemical variation, residue mobility, and thermodynamic stability) has been performed for this missense variant. However, the output from this modeling did not meet the statistical confidence thresholds required to predict the impact of this variant on FGFR3 protein function. In summary, the available evidence is currently insufficient to determine the role of this variant in disease. Therefore, it has been classified as a Variant of Uncertain Significance.

GeneDx
Classification: Uncertain significance. Last evaluated: 2023-10-16. Review status: criteria provided, single submitter. Criteria: GeneDx Variant Classification Process June 2021. Collection method: clinical testing. Allele origin: germline. Affected: yes.
Comment: In silico analysis supports that this missense variant has a deleterious effect on protein structure/function; Has not been previously published as pathogenic or benign to our knowledge

NM_000142.5(FGFR3):c.2315C>T (p.Pro772Leu)

Gene: FGFR3 (fibroblast growth factor receptor 3; plus strand). Cytogenetic location: 4p16.3.
Variant type: single nucleotide variant.
Coding change: c.2315C>T on transcript NM_000142.5 (MANE Select); coding-DNA position 2315, C replaced by T.
Protein change: p.Pro772Leu; replaces proline 772 with leucine.
Molecular consequence: missense variant. On other transcripts: synonymous variant (1), non-coding transcript variant (1).
Genome position (GRCh38, 1-based): chr4:1,807,156, C>T. VCF-style: chr4-1807156-C-T. GRCh37 (hg19) VCF-style: chr4-1808883-C-T.
Other names: c.2321C>T, p.Pro774Leu (NM_001163213.2); c.2318C>T, p.Pro773Leu (NM_001354809.2); c.2247C>T, p.Pro749= (NM_001354810.2); c.1979C>T, p.Pro660Leu (NM_022965.4); short protein forms P660L, P772L, P773L, P774L.
Identifiers: ClinVar variation 1707036 (VCV001707036.7), dbSNP rs756484252, ClinGen allele CA2810834.